The following is an entry in ClinVar:

ClinVar aggregate classification (germline): Uncertain significance (1 of 4 stars; one submission).

gnomAD v4.1: 1 of 1,613,616 alleles (0.000062%); highest among the groups gnomAD compares: Non-Finnish European, 0.000085%; no homozygotes.

Submission:

CeGaT Center for Human Genetics Tuebingen
Classification: Uncertain significance. Last evaluated: 2025-01-01. Review status: criteria provided, single submitter. Criteria: CeGaT Center For Human Genetics Tuebingen Variant Classification Criteria Version 2. Collection method: clinical testing. Allele origin: germline. Affected: yes. Observed: 1 variant allele.
Comment: ITPR1: PP2

NM_001378452.1(ITPR1):c.5908G>A (p.Val1970Ile)

Gene: ITPR1 (inositol 1,4,5-trisphosphate receptor type 1; plus strand). Cytogenetic location: 3p26.1.
Variant type: single nucleotide variant.
Coding change: c.5908G>A on transcript NM_001378452.1 (MANE Select); coding-DNA position 5908, G replaced by A.
Protein change: p.Val1970Ile; replaces valine 1970 with isoleucine.
Molecular consequence: missense variant.
Genome position (GRCh38, 1-based): chr3:4,768,693, G>A. VCF-style: chr3-4768693-G-A. GRCh37 (hg19) VCF-style: chr3-4810377-G-A.
Other names: c.5764G>A, p.Val1922Ile (NM_001099952.4); c.5863G>A, p.Val1955Ile (NM_001168272.2); c.5719G>A, p.Val1907Ile (NM_002222.7); short protein forms V1907I, V1922I, V1955I, V1970I.
Identifiers: ClinVar variation 3771857 (VCV003771857.13).
Genomic context (GRCh38, chr3:4,768,693, plus strand): 5'-CCTGGAGAGGGCACCCAGGCCACTGCCGACAAGGCCAAGGACGACCTGGAGATGAGCGCG[G>A]TCATCACCATCATGCAGCCCATCCTCCGCTTCCTTCAGCTCCTGTGTGAAAACCACAACC-3'
Protein context (NP_001365381.1, residues 1960-1980): KAKDDLEMSA[Val1970Ile]ITIMQPILRF